The following is an entry in ClinVar:

NM_004430.3(EGR3):c.154+490G>T

Gene: EGR3 (early growth response 3; minus strand). Cytogenetic location: 8p21.3.
Variant type: single nucleotide variant.
Coding change: c.154+490G>T on transcript NM_004430.3 (MANE Select); 490 bases into the intron after coding-DNA position 154, G replaced by T.
Molecular consequence: intron variant. On other transcripts: splice donor variant (1).
Genome position (GRCh38, 1-based): chr8:22,692,301, C>A on the plus strand (G>T on the coding strand, the complement: EGR3 is on the minus strand). VCF-style: chr8-22692301-C-A. GRCh37 (hg19) VCF-style: chr8-22549814-C-A.
Other names: c.-9+198G>T (NM_001199881.2); c.40+1G>T (NM_001199880.2).
Identifiers: ClinVar variation 2632990 (VCV002632990.1), dbSNP rs1403960253, ClinGen allele CA370565213.

ClinVar aggregate classification (germline): Uncertain significance (1 of 4 stars; one submission).

Conditions:
EGR3-related disorder. Also called: EGR3-related condition.

Allele frequency attached by ClinVar (database versions not stated): TOPMed below 0.00001; gnomAD exomes 0.00001.

Submission:

PreventionGenetics, part of Exact Sciences
Classification: Uncertain significance for EGR3-related condition. Last evaluated: 2023-05-22. Review status: criteria provided, single submitter. Criteria: ACMG Guidelines, 2015. Collection method: clinical testing. Allele origin: germline.
Comment: The EGR3 c.40+1G>T variant is predicted to disrupt the GT donor site and interfere with normal splicing. To our knowledge, this variant has not been reported in the literature or in a large population database, indicating this variant is rare. At this time, the clinical significance of this variant is uncertain due to the absence of conclusive functional and genetic evidence.